The following is an entry in ClinVar:

NC_000017.10:g.(?_41277346)_(41278211_?)del

Genes: BRCA1 (BRCA1 DNA repair associated; minus strand), NBR2 (neighbor of BRCA1 lncRNA 2; plus strand). Cytogenetic location: 17q21.31.
Variant type: Deletion.
Identifiers: ClinVar variation 3242979 (VCV003242979.1).

ClinVar aggregate classification (germline): Uncertain significance (1 of 4 stars; one submission).

Conditions:
Hereditary breast ovarian cancer syndrome. Also called: Hereditary breast and ovarian cancer syndrome; Hereditary breast and ovarian cancer; Hereditary breast and ovarian cancer syndrome (HBOC); Breast and ovarian cancer; Hereditary breast and/or ovarian cancer syndrome; BRCA1- and BRCA2-Associated Hereditary Breast and Ovarian Cancer. Identifiers: Orphanet 145, MedGen C0677776, MeSH D061325, MONDO:0003582. Disease mechanism: loss of function.

Submission:

Labcorp Genetics (formerly Invitae), Labcorp
Classification: Uncertain significance for Hereditary breast ovarian cancer syndrome. Last evaluated: 2020-10-09. Review status: criteria provided, single submitter. Criteria: Invitae Variant Classification Sherloc (09022015). Collection method: clinical testing. Allele origin: unknown.
Comment: In summary, the available evidence is currently insufficient to determine the role of this variant in disease. Therefore, it has been classified as a Variant of Uncertain Significance. Experimental studies and prediction algorithms are not available for this variant, and the functional significance of this non-coding change is currently unknown. This variant has not been reported in the literature in individuals with BRCA1-related conditions. This variant occurs in a non-coding region of the BRCA1 gene. It does not change the encoded amino acid sequence of the BRCA1 protein.